The following is an entry in ClinVar:

ClinVar aggregate classification (germline): Likely pathogenic (1 of 4 stars; one submission).

Submission:

Labcorp Genetics (formerly Invitae), Labcorp
Classification: Likely pathogenic. Last evaluated: 2024-04-05. Review status: criteria provided, single submitter. Criteria: Invitae Variant Classification Sherloc (09022015). Collection method: clinical testing. Allele origin: germline.
Comment: This sequence change affects a donor splice site in intron 15 of the EMC1 gene. It is expected to disrupt RNA splicing. Variants that disrupt the donor or acceptor splice site typically lead to a loss of protein function (PMID: 16199547), and loss-of-function variants in EMC1 are known to be pathogenic (PMID: 26572623, 26942288, 29271071). This variant is not present in population databases (gnomAD no frequency). This variant has not been reported in the literature in individuals affected with EMC1-related conditions. ClinVar contains an entry for this variant (Variation ID: 1524089). Algorithms developed to predict the effect of sequence changes on RNA splicing suggest that this variant may disrupt the consensus splice site. In summary, the currently available evidence indicates that the variant is pathogenic, but additional data are needed to prove that conclusively. Therefore, this variant has been classified as Likely Pathogenic.

Literature cited by the submitters: PubMed 16199547; PubMed 26572623; PubMed 26942288; PubMed 29271071.

NM_015047.3(EMC1):c.1782+1G>T

Genes: EMC1 (ER membrane protein complex subunit 1; minus strand), EMC1-AS1 (EMC1 antisense RNA 1; plus strand). Cytogenetic location: 1p36.13.
Variant type: single nucleotide variant.
Coding change: c.1782+1G>T on transcript NM_015047.3 (MANE Select); the canonical splice donor site of the intron after coding-DNA position 1782, G replaced by T.
Molecular consequence: splice donor variant.
Genome position (GRCh38, 1-based): chr1:19,232,623, C>A on the plus strand (G>T on the coding strand, the complement: EMC1 is on the minus strand). VCF-style: chr1-19232623-C-A. GRCh37 (hg19) VCF-style: chr1-19559117-C-A.
Other names: c.1716+1G>T (NM_001271429.2); c.1779+1G>T (NM_001271427.2, NM_001271428.2); c.1788+1G>T (NM_001375821.1); c.1791+1G>T (NM_001375820.1).
Identifiers: ClinVar variation 1524089 (VCV001524089.6), dbSNP rs2151949366, ClinGen allele CA338760284.